The following is an entry in ClinVar:

NM_000390.4(CHM):c.941-11T>G

Gene: CHM (CHM Rab escort protein; minus strand). Cytogenetic location: Xq21.2.
Variant type: single nucleotide variant.
Coding change: c.941-11T>G on transcript NM_000390.4 (MANE Select); 11 bases into the intron before coding-DNA position 941, T replaced by G.
Molecular consequence: intron variant.
Genome position (GRCh38, 1-based): chrX:85,956,389, A>C on the plus strand (T>G on the coding strand, the complement: CHM is on the minus strand). VCF-style: chrX-85956389-A-C. GRCh37 (hg19) VCF-style: chrX-85211394-A-C.
Other names: c.497-11T>G (NM_001362519.1, NM_001362517.1, NM_001320959.1 and 1 more transcripts).
Identifiers: ClinVar variation 2123268 (VCV002123268.5), dbSNP rs2520253425, ClinGen allele CA2580102028.

ClinVar aggregate classification (germline): Uncertain significance. Review status: criteria provided, multiple submitters, no conflicts (2 of 4 stars). 2 submissions from 2 submitters: Uncertain significance (2). Last evaluated 2024-05-06.

Submissions (2):

Blueprint Genetics
Classification: Uncertain significance. Last evaluated: 2024-05-06. Review status: criteria provided, single submitter. Criteria: ACMG Guidelines, 2015. Collection method: clinical testing. Allele origin: germline.

Labcorp Genetics (formerly Invitae), Labcorp
Classification: Uncertain significance. Last evaluated: 2022-04-18. Review status: criteria provided, single submitter. Criteria: Invitae Variant Classification Sherloc (09022015). Collection method: clinical testing. Allele origin: germline.
Comment: This sequence change falls in intron 7 of the CHM gene. It does not directly change the encoded amino acid sequence of the CHM protein. This variant is not present in population databases (gnomAD no frequency). This variant has not been reported in the literature in individuals affected with CHM-related conditions. Algorithms developed to predict the effect of sequence changes on RNA splicing suggest that this variant may disrupt the consensus splice site. In summary, the available evidence is currently insufficient to determine the role of this variant in disease. Therefore, it has been classified as a Variant of Uncertain Significance.